The following is an entry in ClinVar:

NM_001318510.2(ACSL4):c.727C>T (p.Arg243Ter)

Gene: ACSL4 (acyl-CoA synthetase long chain family member 4; minus strand). Cytogenetic location: Xq23.
Variant type: single nucleotide variant.
Coding change: c.727C>T on transcript NM_001318510.2 (MANE Select); coding-DNA position 727, C replaced by T.
Protein change: p.Arg243Ter; replaces arginine 243 with a stop codon.
Molecular consequence: nonsense.
Genome position (GRCh38, 1-based): chrX:109,678,344, G>A on the plus strand (C>T on the coding strand, the complement: ACSL4 is on the minus strand). VCF-style: chrX-109678344-G-A. GRCh37 (hg19) VCF-style: chrX-108921573-G-A.
Other names: c.850C>T, p.Arg284Ter (NM_001318509.2, NM_022977.3); c.727C>T, p.Arg243Ter (NM_004458.3); short protein forms R243*, R284*.
Identifiers: ClinVar variation 3342837 (VCV003342837.2).

ClinVar aggregate classification (germline): Pathogenic (1 of 4 stars; one submission).

Submission:

GeneDx
Classification: Pathogenic. Last evaluated: 2026-08-14. Review status: criteria provided, single submitter. Criteria: GeneDx Variant Classification Process June 2021. Collection method: clinical testing. Allele origin: germline.
Comment: Nonsense variant predicted to result in protein truncation or nonsense mediated decay in a gene for which loss of function is a known mechanism of disease; Not observed at significant frequency in large population cohorts (gnomAD); This variant is associated with the following publications: (PMID: 35599849)